The following is an entry in ClinVar:

ClinVar aggregate classification (germline): Likely benign (1 of 4 stars; one submission).

Conditions:
AFF4-related disorder. Also called: AFF4-related condition.

gnomAD v4.1: 1 of 1,614,062 alleles (0.000062%); highest among the groups gnomAD compares: African/African-American, 0.0013%; no homozygotes.

Submission:

PreventionGenetics, part of Exact Sciences
Classification: Likely benign for AFF4-related condition. Last evaluated: 2025-12-04. Review status: criteria provided, single submitter. Criteria: ACMG Guidelines, 2015. Collection method: clinical testing. Allele origin: germline.
Comment: This variant is classified as likely benign based on ACMG/AMP sequence variant interpretation guidelines (Richards et al. 2015 PMID: 25741868, with internal and published modifications).

NM_014423.4(AFF4):c.813C>A (p.Ser271=)

Gene: AFF4 (ALF transcription elongation factor 4; minus strand). Cytogenetic location: 5q31.1.
Variant type: single nucleotide variant.
Coding change: c.813C>A on transcript NM_014423.4 (MANE Select); coding-DNA position 813, C replaced by A.
Protein change: p.Ser271=; no amino-acid change (serine 271 retained).
Molecular consequence: synonymous variant.
Genome position (GRCh38, 1-based): chr5:132,934,252, G>T on the plus strand (C>A on the coding strand, the complement: AFF4 is on the minus strand). VCF-style: chr5-132934252-G-T. GRCh37 (hg19) VCF-style: chr5-132269944-G-T.
Identifiers: ClinVar variation 4983229 (VCV004983229.1).
Genomic context (GRCh38, chr5:132,934,252, plus strand): 5'-GCTGCTGGGCTTCAGCTCAGTCATGCTGTTGCCATGGGATTGGCTGCTGTAGTGCTCAGA[G>T]GACAGCTTTGGTTCCATGGACTCCTGTCCGTCCATGGGCCGCACATAGGCAGTGGGTTTC-3'
Protein context (NP_055238.1, residues 261-281): DGQESMEPKL[Ser271=]SEHYSSQSHG